The following is an entry in ClinVar:

ClinVar aggregate classification (germline): Uncertain significance. Review status: criteria provided, multiple submitters, no conflicts (2 of 4 stars). 2 submissions from 2 submitters: Uncertain significance (2). Last evaluated 2025-08-03.

Conditions:
Hereditary cancer-predisposing syndrome. Also called: Neoplastic Syndromes, Hereditary; Tumor predisposition; Hereditary neoplastic syndrome; Hereditary Cancer Syndrome. Identifiers: Orphanet 140162, MedGen C0027672, MeSH D009386, MONDO:0015356.

Submissions (2):

Labcorp Genetics (formerly Invitae), Labcorp
Classification: Uncertain significance. Last evaluated: 2025-08-03. Review status: criteria provided, single submitter. Criteria: Invitae Variant Classification Sherloc (09022015). Collection method: clinical testing. Allele origin: germline.
Comment: This sequence change replaces arginine, which is basic and polar, with glycine, which is neutral and non-polar, at codon 268 of the HOXB13 protein (p.Arg268Gly). This variant is not present in population databases (gnomAD no frequency). This variant has not been reported in the literature in individuals affected with HOXB13-related conditions. ClinVar contains an entry for this variant (Variation ID: 827407). Invitae Evidence Modeling of protein sequence and biophysical properties (such as structural, functional, and spatial information, amino acid conservation, physicochemical variation, residue mobility, and thermodynamic stability) indicates that this missense variant is expected to disrupt HOXB13 protein function with a positive predictive value of 80%. In summary, the available evidence is currently insufficient to determine the role of this variant in disease. Therefore, it has been classified as a Variant of Uncertain Significance.

Ambry Genetics
Classification: Uncertain significance for Hereditary cancer-predisposing syndrome. Last evaluated: 2024-11-18. Review status: criteria provided, single submitter. Criteria: Ambry Variant Classification Scheme 2023. Collection method: clinical testing. Allele origin: germline.
Comment: The p.R268G variant (also known as c.802C>G), located in coding exon 2 of the HOXB13 gene, results from a C to G substitution at nucleotide position 802. The arginine at codon 268 is replaced by glycine, an amino acid with dissimilar properties. This amino acid position is highly conserved in available vertebrate species. In addition, this alteration is predicted to be deleterious by in silico analysis. Since supporting evidence is limited at this time, the clinical significance of this alteration remains unclear.

NM_006361.6(HOXB13):c.802C>G (p.Arg268Gly)

Gene: HOXB13 (homeobox B13; minus strand). Cytogenetic location: 17q21.32.
Variant type: single nucleotide variant.
Coding change: c.802C>G on transcript NM_006361.6 (MANE Select); coding-DNA position 802, C replaced by G.
Protein change: p.Arg268Gly; replaces arginine 268 with glycine.
Molecular consequence: missense variant.
Genome position (GRCh38, 1-based): chr17:48,726,843, G>C on the plus strand (C>G on the coding strand, the complement: HOXB13 is on the minus strand). VCF-style: chr17-48726843-G-C. GRCh37 (hg19) VCF-style: chr17-46804205-G-C.
Other names: short protein forms R268G.
Identifiers: ClinVar variation 827407 (VCV000827407.13), dbSNP rs768168209, ClinGen allele CA400105571.